The following is an entry in ClinVar:

NM_025114.4(CEP290):c.1991del (p.Asp664fs)

Gene: CEP290 (centrosomal protein 290; minus strand). Cytogenetic location: 12q21.32.
Variant type: Deletion.
Coding change: c.1991del on transcript NM_025114.4 (MANE Select); coding-DNA position 1991, one base deleted (A; older notation c.1991delA).
Protein change: p.Asp664fs; shifts the reading frame from aspartic acid 664.
Molecular consequence: frameshift variant.
Genome position (GRCh38, 1-based): chr12:88,114,481, T deleted on the plus strand (A on the coding strand, the reverse complement: CEP290 is on the minus strand). VCF-style (leftmost placement, unchanged base first): chr12-88114480-AT-A. GRCh37 (hg19) VCF-style: chr12-88508257-AT-A.
Other names: short protein forms D664fs.
Identifiers: ClinVar variation 4917925 (VCV004917925.2).

ClinVar aggregate classification (germline): Pathogenic/Likely pathogenic. Review status: criteria provided, multiple submitters, no conflicts (2 of 4 stars). 2 submissions from 2 submitters: Pathogenic (1); Likely pathogenic (1). Last evaluated 2025-11-21.

Conditions:
CEP290-related disorder. Also called: CEP290-related condition; CEP290-related disorders. Identifiers: MedGen CN239314.
CEP290-related ciliopathy. Also called: CEP290 ciliopathy. Identifiers: MedGen CN305601, MONDO:0100451.

Submissions (2):

Myriad Genetics, Inc.
Classification: Pathogenic for CEP290-related ciliopathy. Last evaluated: 2025-11-21. Review status: criteria provided, single submitter. Criteria: Myriad Autosomal Dominant, Autosomal Recessive and X-Linked Classification Criteria (2023). Collection method: clinical testing. Allele origin: unknown.
Comment: NM_025114.3(CEP290):c.1991delA(D664Vfs*11) is expected to be pathogenic in the context of CEP290-related disorders. This variant is predicted to lead to an abnormal or absent protein product due to the creation of a premature termination codon in CEP290, a gene where loss-of-function variants are known to be pathogenic. Please note: this variant was assessed in the context of healthy population screening.

Blueprint Genetics
Classification: Likely pathogenic for CEP290-related disorders. Last evaluated: 2019-10-01. Review status: criteria provided, single submitter. Criteria: ACMG Guidelines, 2015. Collection method: clinical testing. Allele origin: germline. Affected: yes. Observed: 1 variant allele.